The following is an entry in ClinVar:

ClinVar aggregate classification (germline): Uncertain significance. Review status: criteria provided, multiple submitters, no conflicts (2 of 4 stars). 4 submissions from 4 submitters: Uncertain significance (4). Last evaluated 2023-09-21.

Conditions:
Immunodeficiency 35 (IMD35). Also called: HIES WITH ATYPICAL MYCOBACTERIOSIS, AUTOSOMAL RECESSIVE; HYPER-IgE SYNDROME WITH ATYPICAL MYCOBACTERIOSIS, AUTOSOMAL RECESSIVE; Susceptibility to infection due to TYK2 deficiency; TYK2 DEFICIENCY. Identifiers: Orphanet 331226, MedGen C1969086, MONDO:0012682, OMIM 611521.

Allele frequency attached by ClinVar (database versions not stated): gnomAD exomes 0.00007 and 0.00011; ESP Exome Variant Server 0.00008; gnomAD 0.00008 and 0.00009; ExAC 0.00009; TOPMed 0.00014; 1000 Genomes Project 30x 0.00031; 1000 Genomes Project 0.00040.
gnomAD v4.1: 121 of 1,613,798 alleles (0.0075%); highest among the groups gnomAD compares: African/African-American, 0.011%; no homozygotes.

Submissions (4):

Blueprint Genetics
Classification: Uncertain significance. Last evaluated: 2023-09-21. Review status: criteria provided, single submitter. Criteria: ACMG Guidelines, 2015. Collection method: clinical testing. Allele origin: germline.

Labcorp Genetics (formerly Invitae), Labcorp
Classification: Uncertain significance for Immunodeficiency 35. Last evaluated: 2022-08-19. Review status: criteria provided, single submitter. Criteria: Invitae Variant Classification Sherloc (09022015). Collection method: clinical testing. Allele origin: germline.
Comment: This sequence change replaces arginine, which is basic and polar, with tryptophan, which is neutral and slightly polar, at codon 448 of the TYK2 protein (p.Arg448Trp). This variant is present in population databases (rs147991080, gnomAD 0.02%). This variant has not been reported in the literature in individuals affected with TYK2-related conditions. ClinVar contains an entry for this variant (Variation ID: 580559). Algorithms developed to predict the effect of missense changes on protein structure and function are either unavailable or do not agree on the potential impact of this missense change (SIFT: "Not Available"; PolyPhen-2: "Benign"; Align-GVGD: "Not Available"). In summary, the available evidence is currently insufficient to determine the role of this variant in disease. Therefore, it has been classified as a Variant of Uncertain Significance.

Baylor Genetics
Classification: Uncertain significance for Immunodeficiency 35. Last evaluated: 2020-04-27. Review status: criteria provided, single submitter. Criteria: ACMG Guidelines, 2015. Collection method: clinical testing. Allele origin: unknown. Affected: yes.
Comment: This variant was determined to be of uncertain significance according to ACMG Guidelines, 2015 [PMID:25741868].

Illumina Laboratory Services, Illumina
Classification: Uncertain significance for Immunodeficiency 35. Last evaluated: 2017-04-27. Review status: criteria provided, single submitter. Criteria: ICSL Variant Classification Criteria 13 December 2019. Collection method: clinical testing. Allele origin: germline.
Comment: This variant was observed as part of a predisposition screen in an ostensibly healthy population. A literature search was performed for the gene, cDNA change, and amino acid change (where applicable). Publications were found based on this search. However, the evidence from the literature, in combination with allele frequency data from public databases where available, was not sufficient to rule this variant in or out of causing disease. Therefore, this variant is classified as a variant of unknown significance.

Literature cited by the submitters: PubMed 25388448 (cited by Illumina Laboratory Services, Illumina).

NM_003331.5(TYK2):c.1342C>T (p.Arg448Trp)

Gene: TYK2 (tyrosine kinase 2; minus strand). Cytogenetic location: 19p13.2.
Variant type: single nucleotide variant.
Coding change: c.1342C>T on transcript NM_003331.5 (MANE Select); coding-DNA position 1342, C replaced by T.
Protein change: p.Arg448Trp; replaces arginine 448 with tryptophan.
Molecular consequence: missense variant.
Genome position (GRCh38, 1-based): chr19:10,364,639, G>A on the plus strand (C>T on the coding strand, the complement: TYK2 is on the minus strand). VCF-style: chr19-10364639-G-A. GRCh37 (hg19) VCF-style: chr19-10475315-G-A.
Other names: c.1342C>T (LRG_121t1); short protein forms R448W.
Identifiers: ClinVar variation 580559 (VCV000580559.11), dbSNP rs147991080, ClinGen allele CA9193457.